The following is an entry in ClinVar:

NM_001754.5(RUNX1):c.1245G>T (p.Gln415His)

Gene: RUNX1 (RUNX family transcription factor 1; minus strand). Cytogenetic location: 21q22.12.
Variant type: single nucleotide variant.
Coding change: c.1245G>T on transcript NM_001754.5 (MANE Select); coding-DNA position 1245, G replaced by T.
Protein change: p.Gln415His; replaces glutamine 415 with histidine.
Molecular consequence: missense variant.
Genome position (GRCh38, 1-based): chr21:34,792,333, C>A on the plus strand (G>T on the coding strand, the complement: RUNX1 is on the minus strand). VCF-style: chr21-34792333-C-A. GRCh37 (hg19) VCF-style: chr21-36164630-C-A.
Other names: NM_001754.5(RUNX1):c.1245G>T; p.Gln415His; c.1164G>T, p.Gln388His (NM_001001890.3); short protein forms Q388H, Q415H.
Identifiers: ClinVar variation 857804 (VCV000857804.11), dbSNP rs1376761452, ClinGen allele CA410147676.

ClinVar aggregate classification (germline): Uncertain significance. Review status: reviewed by expert panel (3 of 4 stars). 3 submissions from 3 submitters: Uncertain significance (1). 2 of the submissions do not count toward it. Last evaluated 2024-11-13.

Conditions:
Hereditary thrombocytopenia and hematologic cancer predisposition syndrome. Identifiers: Orphanet 71290, MedGen CN281654, MONDO:0011071.
Inborn genetic diseases. Identifiers: MedGen C0950123, MeSH D030342.
Hereditary thrombocytopenia and hematological cancer predisposition syndrome associated with RUNX1. Also called: RUNX1 Familial Platelet Disorder with Associated Myeloid Malignancies; PLATELET DISORDER, ASPIRIN-LIKE; Familial Platelet Disorder with Propensity to Acute Myelogenous Leukemia; Familial thrombocytopenia with propensity to acute myelogenous leukemia. Identifiers: Orphanet 71290, MedGen C1832388, MeSH C563324, MONDO:0100083, OMIM 601399.

Allele frequency attached by ClinVar (database versions not stated): gnomAD 0.00001; TOPMed below 0.00001.
gnomAD v4.1: 3 of 1,552,400 alleles (0.00019%); highest among the groups gnomAD compares: Non-Finnish European, 0.00026%; no homozygotes.

Submissions (3):

ClinGen Myeloid Malignancy Variant Curation Expert Panel
Classification: Uncertain significance for Hereditary thrombocytopenia and hematologic cancer predisposition syndrome. Last evaluated: 2024-11-13. Review status: reviewed by expert panel. Criteria: ClinGen MyeloMalig ACMG Specifications v2. Collection method: curation. Allele origin: germline. Inheritance: Autosomal dominant inheritance.
Comment: NM_001754.5(RUNX1):c.1245G>T (p.Gln415His) is a missense variant which has a REVEL score < 0.50 (0.324) and a SpliceAI score ≤ 0.20 (0.0) (BP4). In summary, the clinical significance of this variant is uncertain. ACMG/AMP criteria applied, as specified by the Myeloid Malignancy Variant Curation Expert Panel for RUNX1: BP4.

Labcorp Genetics (formerly Invitae), Labcorp
Classification: Uncertain significance for Hereditary thrombocytopenia and hematological cancer predisposition syndrome associated with RUNX1. Last evaluated: 2025-07-31. Review status: criteria provided, single submitter. Criteria: Invitae Variant Classification Sherloc (09022015). Collection method: clinical testing. Allele origin: germline. Not counted in ClinVar's aggregate classification.
Comment: This sequence change replaces glutamine, which is neutral and polar, with histidine, which is basic and polar, at codon 415 of the RUNX1 protein (p.Gln415His). This variant is not present in population databases (gnomAD no frequency). This variant has not been reported in the literature in individuals affected with RUNX1-related conditions. ClinVar contains an entry for this variant (Variation ID: 857804). Invitae Evidence Modeling of protein sequence and biophysical properties (such as structural, functional, and spatial information, amino acid conservation, physicochemical variation, residue mobility, and thermodynamic stability) has been performed for this missense variant. However, the output from this modeling did not meet the statistical confidence thresholds required to predict the impact of this variant on RUNX1 protein function. In summary, the available evidence is currently insufficient to determine the role of this variant in disease. Therefore, it has been classified as a Variant of Uncertain Significance.

Ambry Genetics
Classification: Uncertain significance for Inborn genetic diseases. Last evaluated: 2025-05-11. Review status: criteria provided, single submitter. Criteria: Ambry Variant Classification Scheme 2023. Collection method: clinical testing. Allele origin: germline. Not counted in ClinVar's aggregate classification.
Comment: The p.Q415H variant (also known as c.1245G>T), located in coding exon 8 of the RUNX1 gene, results from a G to T substitution at nucleotide position 1245. The glutamine at codon 415 is replaced by histidine, an amino acid with highly similar properties. This amino acid position is conserved. In addition, the in silico prediction for this alteration is inconclusive. Based on the available evidence, the clinical significance of this variant remains unclear.